The following is an entry in ClinVar:

ClinVar aggregate classification (germline): Pathogenic (1 of 4 stars; one submission).

Submission:

Labcorp Genetics (formerly Invitae), Labcorp
Classification: Pathogenic. Last evaluated: 2024-01-15. Review status: criteria provided, single submitter. Criteria: Invitae Variant Classification Sherloc (09022015). Collection method: clinical testing. Allele origin: germline.
Comment: This sequence change creates a premature translational stop signal (p.Ala594Leufs*61) in the TMC1 gene. It is expected to result in an absent or disrupted protein product. Loss-of-function variants in TMC1 are known to be pathogenic (PMID: 11850618, 22105175). This variant is not present in population databases (gnomAD no frequency). This variant has not been reported in the literature in individuals affected with TMC1-related conditions. For these reasons, this variant has been classified as Pathogenic.

Literature cited by the submitters: PubMed 11850618; PubMed 22105175.

NM_138691.3(TMC1):c.1780del (p.Ala594fs)

Gene: TMC1 (transmembrane channel like 1; plus strand). Cytogenetic location: 9q21.13.
Variant type: Deletion.
Coding change: c.1780del on transcript NM_138691.3 (MANE Select); coding-DNA position 1780, one base deleted (G; older notation c.1780delG).
Protein change: p.Ala594fs; shifts the reading frame from alanine 594.
Molecular consequence: frameshift variant.
Genome position (GRCh38, 1-based): chr9:72,820,858, G deleted. VCF-style (leftmost placement, unchanged base first): chr9-72820857-TG-T. GRCh37 (hg19) VCF-style: chr9-75435773-TG-T.
Other names: short protein forms A594fs.
Identifiers: ClinVar variation 2709451 (VCV002709451.3), dbSNP rs2489984744, ClinGen allele CA2697557768.